The following is an entry in ClinVar:

ClinVar aggregate classification (germline): Conflicting classifications of pathogenicity. Review status: criteria provided, conflicting classifications (1 of 4 stars). 4 submissions from 4 submitters: Likely pathogenic (2); Uncertain significance (2). Last evaluated 2025-07-23.

Conditions:
Hereditary orotic aciduria, type 1. Also called: Orotic aciduria type 1; Oroticaciduria 1. Identifiers: MedGen C0268130.
Hereditary orotic aciduria. Also called: UMPS DEFICIENCY; OPRT AND ODC DEFICIENCY; URIDINE MONOPHOSPHATE SYNTHASE DEFICIENCY; OROTIC ACIDURIA I; OROTIDYLIC PYROPHOSPHORYLASE AND OROTIDYLIC DECARBOXYLASE DEFICIENCY; OROTATE PHOSPHORIBOSYLTRANSFERASE AND OROTIDYLIC DECARBOXYLASE DEFICIENCY. Identifiers: Orphanet 30, MedGen C0220987, MONDO:0009797, OMIM 258900.
Oroticaciduria. Also called: Orotic aciduria. Identifiers: Orphanet 30, MedGen C0268128, HP:0003218.

Allele frequency attached by ClinVar (database versions not stated): TOPMed 0.00014; ESP Exome Variant Server 0.00023.
gnomAD v4.1: 510 of 1,614,110 alleles (0.032%); highest among the groups gnomAD compares: Non-Finnish European, 0.041%; no homozygotes.

Submissions (4):

GeneDx
Classification: Likely pathogenic. Last evaluated: 2025-07-23. Review status: criteria provided, single submitter. Criteria: GeneDx Variant Classification Process June 2021. Collection method: clinical testing. Allele origin: germline. Affected: yes.
Comment: Reported previously heterozygous in an individual with mild orotic aciduria and developmental delay, and no second UMPS variant identified (PMID: 28205048); Identified in the heterozygous state in an individual with raised orotic acid, who was also found to have variants identified in the SPATA5L1 gene; segregation and detailed clinical information was not provided (PMID: 39333051); In silico analysis supports that this missense variant has a deleterious effect on protein structure/function; Not observed at significant frequency in large population cohorts (gnomAD); This variant is associated with the following publications: (PMID: 28263315, 28205048, Welhouse2024[preprint], 39333051)

Labcorp Genetics (formerly Invitae), Labcorp
Classification: Uncertain significance for Hereditary orotic aciduria, type 1. Last evaluated: 2024-10-29. Review status: criteria provided, single submitter. Criteria: Invitae Variant Classification Sherloc (09022015). Collection method: clinical testing. Allele origin: germline.
Comment: This sequence change replaces isoleucine, which is neutral and non-polar, with asparagine, which is neutral and polar, at codon 286 of the UMPS protein (p.Ile286Asn). This variant is present in population databases (rs200305064, gnomAD 0.02%). This missense change has been observed in individual(s) with orotic aciduria (PMID: 28263315). ClinVar contains an entry for this variant (Variation ID: 342930). Invitae Evidence Modeling of protein sequence and biophysical properties (such as structural, functional, and spatial information, amino acid conservation, physicochemical variation, residue mobility, and thermodynamic stability) indicates that this missense variant is expected to disrupt UMPS protein function with a positive predictive value of 80%. In summary, the available evidence is currently insufficient to determine the role of this variant in disease. Therefore, it has been classified as a Variant of Uncertain Significance.

Victorian Clinical Genetics Services, Murdoch Childrens Research Institute
Classification: Likely pathogenic for Hereditary orotic aciduria. Last evaluated: 2024-10-08. Review status: criteria provided, single submitter. Criteria: ACMG Guidelines, 2015. Collection method: clinical testing. Allele origin: germline. Inheritance: Autosomal recessive inheritance. Affected: yes.
Comment: Based on the classification scheme VCGS_Germline_v1.3.4, this variant is classified as likely pathogenic. Following criteria are met: 0102 - Loss of function is a known mechanism of disease in this gene and is associated with orotic aciduria (MIM#258900). (I) 0106 - This gene is associated with autosomal recessive disease. However, there have been reports of heterozygous individuals with mild orotic aciduria (PMID: 28205048). (I) 0200 - Variant is predicted to result in a missense amino acid change from isoleucine to asparagine. (I) 0251 - This variant is heterozygous. (I) 0304 - Variant is present in gnomAD (v2) <0.01 for a recessive condition (25 heterozygotes, 0 homozygotes). (SP) 0309 - An alternative amino acid change at the same position has been observed in gnomAD (v2) (10 heterozygotes, 0 homozygotes). (I) 0501 - Missense variant consistently predicted to be damaging by multiple in silico tools or highly conserved with a major amino acid change. (SP) 0600 - Variant is located in the annotated OMPdecase domain (DECIPHER). (I) 0705 - No comparable missense variants have previous evidence for pathogenicity. (I) 0808 - Previous reports of pathogenicity for this variant are conflicting. This variant has been reported twice in ClinVar as a variant of unknown significance and once as likely pathogenic. This variant has also been reported in an unrelated heterozygous individual with mild orotic aciduria who initially presented with developmental delay (PMID:28205048). (I) 0905 - No published segregation evidence has been identified for this variant. (I) 1007 - No published functional evidence has been identified for this variant. (I) 1101 - Very strong and specific phenotype match for this individual. (I) Legend: (SP) - Supporting pathogenic, (I) - Information, (SB) - Supporting benign

Illumina Laboratory Services, Illumina
Classification: Uncertain significance for Hereditary orotic aciduria. Last evaluated: 2018-01-13. Review status: criteria provided, single submitter. Criteria: ICSL Variant Classification Criteria 13 December 2019. Collection method: clinical testing. Allele origin: germline.

Literature cited by the submitters: PubMed 28263315 (cited by Labcorp Genetics (formerly Invitae), Labcorp); PubMed 28205048 (cited by Victorian Clinical Genetics Services, Murdoch Childrens Research Institute).

NM_000373.4(UMPS):c.857T>A (p.Ile286Asn)

Gene: UMPS (uridine monophosphate synthetase; plus strand). Cytogenetic location: 3q21.2.
Variant type: single nucleotide variant.
Coding change: c.857T>A on transcript NM_000373.4 (MANE Select); coding-DNA position 857, T replaced by A.
Protein change: p.Ile286Asn; replaces isoleucine 286 with asparagine.
Molecular consequence: missense variant. On other transcripts: non-coding transcript variant (2).
Genome position (GRCh38, 1-based): chr3:124,738,114, T>A. VCF-style: chr3-124738114-T-A. GRCh37 (hg19) VCF-style: chr3-124456961-T-A.
Other names: short protein forms I286N.
Identifiers: ClinVar variation 342930 (VCV000342930.17), dbSNP rs200305064, ClinGen allele CA2581718.
Genomic context (GRCh38, chr3:124,738,114, plus strand): 5'-TGTTGCAGCTAGCAGATGCTTTAGGACCTAGTATCTGCATGCTGAAGACTCATGTAGATA[T>A]TTTGAATGATTTTACTCTGGATGTGATGAAGGAGTTGATAACTCTGGCAAAATGCCATGA-3'
Protein context (NP_000364.1, residues 276-296): SICMLKTHVD[Ile286Asn]LNDFTLDVMK